The following is an entry in ClinVar:

ClinVar aggregate classification (germline): Uncertain significance (1 of 4 stars; one submission).

Conditions:
Achondrogenesis, type IA (ACG1A). Identifiers: Orphanet 932, Orphanet 93299, MedGen C0265273, MONDO:0008701, OMIM 200600.

Allele frequency attached by ClinVar (database versions not stated): gnomAD exomes 0.00001; TOPMed 0.00001.
gnomAD v4.1: 9 of 1,613,900 alleles (0.00056%); highest among the groups gnomAD compares: Admixed American, 0.005%; no homozygotes.

Submission:

Labcorp Genetics (formerly Invitae), Labcorp
Classification: Uncertain significance for Achondrogenesis, type IA. Last evaluated: 2022-06-14. Review status: criteria provided, single submitter. Criteria: Invitae Variant Classification Sherloc (09022015). Collection method: clinical testing. Allele origin: germline.
Comment: This sequence change replaces glutamic acid, which is acidic and polar, with valine, which is neutral and non-polar, at codon 1005 of the TRIP11 protein (p.Glu1005Val). This variant is present in population databases (no rsID available, gnomAD 0.003%). This variant has not been reported in the literature in individuals affected with TRIP11-related conditions. Algorithms developed to predict the effect of missense changes on protein structure and function are either unavailable or do not agree on the potential impact of this missense change (SIFT: "Not Available"; PolyPhen-2: "Probably Damaging"; Align-GVGD: "Not Available"). In summary, the available evidence is currently insufficient to determine the role of this variant in disease. Therefore, it has been classified as a Variant of Uncertain Significance.

NM_004239.4(TRIP11):c.3014A>T (p.Glu1005Val)

Gene: TRIP11 (thyroid hormone receptor interactor 11; minus strand). Cytogenetic location: 14q32.12.
Variant type: single nucleotide variant.
Coding change: c.3014A>T on transcript NM_004239.4 (MANE Select); coding-DNA position 3014, A replaced by T.
Protein change: p.Glu1005Val; replaces glutamic acid 1005 with valine.
Molecular consequence: missense variant.
Genome position (GRCh38, 1-based): chr14:92,004,962, T>A on the plus strand (A>T on the coding strand, the complement: TRIP11 is on the minus strand). VCF-style: chr14-92004962-T-A. GRCh37 (hg19) VCF-style: chr14-92471306-T-A.
Other names: c.3011A>T, p.Glu1004Val (NM_001321851.1); short protein forms E1004V, E1005V.
Identifiers: ClinVar variation 2044837 (VCV002044837.4), dbSNP rs1417543171, ClinGen allele CA390654510.